The following is an entry in ClinVar:

NM_001001331.4(ATP2B2):c.3155A>C (p.Lys1052Thr)

Gene: ATP2B2 (ATPase plasma membrane Ca2+ transporting 2; minus strand). Cytogenetic location: 3p25.3.
Variant type: single nucleotide variant.
Coding change: c.3155A>C on transcript NM_001001331.4 (MANE Select); coding-DNA position 3155, A replaced by C.
Protein change: p.Lys1052Thr; replaces lysine 1052 with threonine.
Molecular consequence: missense variant.
Genome position (GRCh38, 1-based): chr3:10,340,324, T>G on the plus strand (A>C on the coding strand, the complement: ATP2B2 is on the minus strand). VCF-style: chr3-10340324-T-G. GRCh37 (hg19) VCF-style: chr3-10382008-T-G.
Other names: c.3020A>C, p.Lys1007Thr (NM_001330611.3, NM_001353564.1, NM_001363862.1 and 2 more transcripts); c.3062A>C, p.Lys1021Thr (NM_001438646.1); short protein forms K1007T, K1052T, K1021T.
Identifiers: ClinVar variation 5002751 (VCV005002751.1).

ClinVar aggregate classification (germline): Uncertain significance (1 of 4 stars; one submission).

Conditions:
Hearing loss, autosomal dominant 82. Also called: Deafness, autosomal dominant 82. Identifiers: MedGen C5676948, MONDO:0030719, OMIM 619804.

Submission:

OLLIN Analises Genomicas, OLLIN
Classification: Uncertain significance for Hearing loss, autosomal dominant 82. Last evaluated: 2026-08-06. Review status: criteria provided, single submitter. Criteria: ACMG Guidelines 2015 PMID 25741868. Collection method: clinical testing. Allele origin: germline. Inheritance: Autosomal dominant inheritance.
Comment: This missense variant, located in exon 21 (of 23), is absent from gnomAD and ClinVar and has not been identified in the literature. In silico analysis predicts that this variant has a deleterious effect. This gene is constrained for missense variation. According to the currently available evidence, this variant has been classified as uncertain significance (PM2_P, PP2, PP3).